The following is an entry in ClinVar:

ClinVar aggregate classification (germline): Uncertain significance. Review status: criteria provided, multiple submitters, no conflicts (2 of 4 stars). 2 submissions from 2 submitters: Uncertain significance (2). Last evaluated 2025-08-09.

Conditions:
Inborn genetic diseases. Identifiers: MedGen C0950123, MeSH D030342.

Allele frequency attached by ClinVar (database versions not stated): TOPMed below 0.00001.
gnomAD v4.1: 5 of 1,612,286 alleles (0.00031%); highest among the groups gnomAD compares: Non-Finnish European, 0.00042%; no homozygotes.

Submissions (2):

Ambry Genetics
Classification: Uncertain significance for Inborn genetic diseases. Last evaluated: 2025-08-09. Review status: criteria provided, single submitter. Criteria: Ambry Variant Classification Scheme 2023. Collection method: clinical testing. Allele origin: germline.

Labcorp Genetics (formerly Invitae), Labcorp
Classification: Uncertain significance. Last evaluated: 2025-04-16. Review status: criteria provided, single submitter. Criteria: Invitae Variant Classification Sherloc (09022015). Collection method: clinical testing. Allele origin: germline.
Comment: This sequence change replaces methionine, which is neutral and non-polar, with isoleucine, which is neutral and non-polar, at codon 929 of the MYO7A protein (p.Met929Ile). This variant is present in population databases (no rsID available, gnomAD 0.007%). This variant has not been reported in the literature in individuals affected with MYO7A-related conditions. ClinVar contains an entry for this variant (Variation ID: 1980769). Invitae Evidence Modeling of protein sequence and biophysical properties (such as structural, functional, and spatial information, amino acid conservation, physicochemical variation, residue mobility, and thermodynamic stability) indicates that this missense variant is not expected to disrupt MYO7A protein function with a negative predictive value of 95%. In summary, the available evidence is currently insufficient to determine the role of this variant in disease. Therefore, it has been classified as a Variant of Uncertain Significance.

NM_000260.4(MYO7A):c.2787G>T (p.Met929Ile)

Gene: MYO7A (myosin VIIA; plus strand). Cytogenetic location: 11q13.5.
Variant type: single nucleotide variant.
Coding change: c.2787G>T on transcript NM_000260.4 (MANE Select); coding-DNA position 2787, G replaced by T.
Protein change: p.Met929Ile; replaces methionine 929 with isoleucine.
Molecular consequence: missense variant.
Genome position (GRCh38, 1-based): chr11:77,181,472, G>T. VCF-style: chr11-77181472-G-T. GRCh37 (hg19) VCF-style: chr11-76892518-G-T.
Other names: c.2787G>T (NM_000260.3); c.2787G>T, p.Met929Ile (NM_001127180.2); c.2754G>T, p.Met918Ile (NM_001369365.1); short protein forms M918I, M929I.
Identifiers: ClinVar variation 1980769 (VCV001980769.3), dbSNP rs536410625, ClinGen allele CA381942891.